The following is an entry in ClinVar:

NM_000808.4(GABRA3):c.717C>A (p.Arg239=)

Gene: GABRA3 (gamma-aminobutyric acid type A receptor subunit alpha3; minus strand). Cytogenetic location: Xq28.
Variant type: single nucleotide variant.
Coding change: c.717C>A on transcript NM_000808.4 (MANE Select); coding-DNA position 717, C replaced by A.
Protein change: p.Arg239=; no amino-acid change (arginine 239 retained).
Molecular consequence: synonymous variant.
Genome position (GRCh38, 1-based): chrX:152,208,062, G>T on the plus strand (C>A on the coding strand, the complement: GABRA3 is on the minus strand). VCF-style: chrX-152208062-G-T. GRCh37 (hg19) VCF-style: chrX-151376534-G-T.
Identifiers: ClinVar variation 3052296 (VCV003052296.2), dbSNP rs200560398, ClinGen allele CA10543146.

ClinVar aggregate classification (germline): Likely benign (0 of 4 stars; one submission).

Conditions:
GABRA3-related disorder. Also called: GABRA3-related condition.

Allele frequency attached by ClinVar (database versions not stated): TOPMed 0.00001; ExAC 0.00003; gnomAD 0.00003; gnomAD exomes 0.00004; ESP Exome Variant Server 0.00009.
gnomAD v4.1: 52 of 1,209,836 alleles (0.0043%); highest among the groups gnomAD compares: Non-Finnish European, 0.0048%; no homozygotes.

Submission:

PreventionGenetics, part of Exact Sciences
Classification: Likely benign for GABRA3-related condition. Last evaluated: 2020-01-08. Review status: no assertion criteria provided. Collection method: clinical testing. Allele origin: germline.
Comment: This variant is classified as likely benign based on ACMG/AMP sequence variant interpretation guidelines (Richards et al. 2015 PMID: 25741868, with internal and published modifications).